The following is an entry in ClinVar:

NM_203447.4(DOCK8):c.2567T>C (p.Phe856Ser)

Gene: DOCK8 (dedicator of cytokinesis 8; plus strand). Cytogenetic location: 9p24.3.
Variant type: single nucleotide variant.
Coding change: c.2567T>C on transcript NM_203447.4 (MANE Select); coding-DNA position 2567, T replaced by C.
Protein change: p.Phe856Ser; replaces phenylalanine 856 with serine.
Molecular consequence: missense variant.
Genome position (GRCh38, 1-based): chr9:379,897, T>C. VCF-style: chr9-379897-T-C. GRCh37 (hg19) VCF-style: chr9-379897-T-C.
Other names: c.2363T>C, p.Phe788Ser (NM_001190458.2, NM_001193536.2); short protein forms F788S, F856S.
Identifiers: ClinVar variation 1403518 (VCV001403518.7), dbSNP rs1279542281, ClinGen allele CA372765043.

ClinVar aggregate classification (germline): Uncertain significance (1 of 4 stars; one submission).

Allele frequency attached by ClinVar (database versions not stated): gnomAD exomes below 0.00001 and 0.00001.

Submission:

Labcorp Genetics (formerly Invitae), Labcorp
Classification: Uncertain significance for Combined immunodeficiency due to DOCK8 deficiency. Last evaluated: 2021-01-14. Review status: criteria provided, single submitter. Criteria: Invitae Variant Classification Sherloc (09022015). Collection method: clinical testing. Allele origin: germline.
Comment: Algorithms developed to predict the effect of missense changes on protein structure and function are either unavailable or do not agree on the potential impact of this missense change (SIFT: "Tolerated"; PolyPhen-2: "Probably Damaging"; Align-GVGD: "Class C0"). This sequence change replaces phenylalanine with serine at codon 856 of the DOCK8 protein (p.Phe856Ser). The phenylalanine residue is highly conserved and there is a large physicochemical difference between phenylalanine and serine. This variant is not present in population databases (ExAC no frequency). This variant has not been reported in the literature in individuals with DOCK8-related conditions. In summary, the available evidence is currently insufficient to determine the role of this variant in disease. Therefore, it has been classified as a Variant of Uncertain Significance.